The following is an entry in ClinVar:

ClinVar aggregate classification (germline): Uncertain significance (1 of 4 stars; one submission).

Conditions:
Neuropathy, hereditary sensory and autonomic, type 2A (HSAN2A). Also called: ACROOSTEOLYSIS, GIACCAI TYPE; ACROOSTEOLYSIS, NEUROGENIC; MORVAN DISEASE; NEUROPATHY, CONGENITAL SENSORY; NEUROPATHY, HEREDITARY SENSORY RADICULAR, AUTOSOMAL RECESSIVE; NEUROPATHY, HEREDITARY SENSORY, TYPE IIA. Identifiers: Orphanet 970, MedGen C2752089, MONDO:0024309, OMIM 201300.
Pseudohypoaldosteronism type 2C (PHA2C). Also called: Pseudohypoaldosteronism Type IIC. Identifiers: Orphanet 757, Orphanet 88940, MedGen C1840391, MONDO:0013778, OMIM 614492.

Allele frequency attached by ClinVar (database versions not stated): gnomAD 0.00001; gnomAD exomes 0.00001.
gnomAD v4.1: 10 of 1,613,862 alleles (0.00062%); highest among the groups gnomAD compares: Admixed American, 0.005%; no homozygotes.

Submission:

Labcorp Genetics (formerly Invitae), Labcorp
Classification: Uncertain significance for Neuropathy, hereditary sensory and autonomic, type 2A; Pseudohypoaldosteronism type 2C. Last evaluated: 2025-07-24. Review status: criteria provided, single submitter. Criteria: Invitae Variant Classification Sherloc (09022015). Collection method: clinical testing. Allele origin: germline.
Comment: This sequence change replaces glutamic acid, which is acidic and polar, with glutamine, which is neutral and polar, at codon 814 of the WNK1 protein (p.Glu814Gln). This variant is present in population databases (no rsID available, gnomAD 0.003%). This variant has not been reported in the literature in individuals affected with WNK1-related conditions. ClinVar contains an entry for this variant (Variation ID: 2420702). Invitae Evidence Modeling of protein sequence and biophysical properties (such as structural, functional, and spatial information, amino acid conservation, physicochemical variation, residue mobility, and thermodynamic stability) indicates that this missense variant is not expected to disrupt WNK1 protein function with a negative predictive value of 95%. In summary, the available evidence is currently insufficient to determine the role of this variant in disease. Therefore, it has been classified as a Variant of Uncertain Significance.

NM_213655.5(WNK1):c.2440G>C (p.Glu814Gln)

Gene: WNK1 (WNK lysine deficient protein kinase 1; plus strand). Cytogenetic location: 12p13.33.
Variant type: single nucleotide variant.
Coding change: c.2440G>C on transcript NM_213655.5 (MANE Plus Clinical); coding-DNA position 2440, G replaced by C.
Protein change: p.Glu814Gln; replaces glutamic acid 814 with glutamine.
Molecular consequence: missense variant. On other transcripts: intron variant (2).
Genome position (GRCh38, 1-based): chr12:867,911, G>C. VCF-style: chr12-867911-G-C. GRCh37 (hg19) VCF-style: chr12-977077-G-C.
Other names: c.2185G>C, p.Glu729Gln (NM_001184985.2); c.2140-3354G>C (NM_018979.4, NM_014823.3); short protein forms E729Q, E814Q.
Identifiers: ClinVar variation 2420702 (VCV002420702.6), dbSNP rs1257748721, ClinGen allele CA383338759.
Genomic context (GRCh38, chr12:867,911, plus strand): 5'-TTCATGTTGATACAGCCTCAGTCCATGGCGCATCCGTGTGGGGGGACCCCAACATACCCA[G>C]AATCACAGATATTTTTCCCAACTATTCATGAACGTCCAGTTTCTTTTTCACCACCTCCCA-3'
Protein context (NP_998820.3, residues 804-824): HPCGGTPTYP[Glu814Gln]SQIFFPTIHE